The following is an entry in ClinVar:

NM_017654.4(SAMD9):c.223C>T (p.Arg75Trp)

Gene: SAMD9 (sterile alpha motif domain containing 9; minus strand). Cytogenetic location: 7q21.2.
Variant type: single nucleotide variant.
Coding change: c.223C>T on transcript NM_017654.4 (MANE Select); coding-DNA position 223, C replaced by T.
Protein change: p.Arg75Trp; replaces arginine 75 with tryptophan.
Molecular consequence: missense variant.
Genome position (GRCh38, 1-based): chr7:93,105,875, G>A on the plus strand (C>T on the coding strand, the complement: SAMD9 is on the minus strand). VCF-style: chr7-93105875-G-A. GRCh37 (hg19) VCF-style: chr7-92735188-G-A.
Other names: c.223C>T, p.Arg75Trp (NM_001193307.2); short protein forms R75W.
Identifiers: ClinVar variation 1049816 (VCV001049816.14), dbSNP rs111780648, ClinGen allele CA4343188.

ClinVar aggregate classification (germline): Benign/Likely benign. Review status: criteria provided, multiple submitters, no conflicts (2 of 4 stars). 5 submissions from 5 submitters: Benign (3); Likely benign (1). 1 of the submissions does not count toward it. Last evaluated 2026-02-04.

Allele frequency attached by ClinVar (database versions not stated): 1000 Genomes Project 30x 0.01499; TOPMed 0.01574; 1000 Genomes Project 0.01577; ESP Exome Variant Server 0.01707.
gnomAD v4.1: 34,875 of 1,613,970 alleles (2.2%); highest among the groups gnomAD compares: South Asian, 4.7%; 475 homozygotes.

Submissions (5):

Labcorp Genetics (formerly Invitae), Labcorp
Classification: Benign. Last evaluated: 2026-02-04. Review status: criteria provided, single submitter. Criteria: Invitae Variant Classification Sherloc (09022015). Collection method: clinical testing. Allele origin: germline.

ARUP Laboratories, Molecular Genetics and Genomics, ARUP Laboratories
Classification: Benign. Last evaluated: 2025-07-21. Review status: criteria provided, single submitter. Criteria: ARUP Molecular Germline Variant Investigation Process 2024. Collection method: clinical testing. Allele origin: germline.

Blueprint Genetics
Classification: Likely benign. Last evaluated: 2024-11-27. Review status: criteria provided, single submitter. Criteria: ACMG Guidelines, 2015. Collection method: clinical testing. Allele origin: germline.

Breakthrough Genomics
Classification: Benign. Review status: criteria provided, single submitter. Criteria: ACMG Guidelines, 2015. Collection method: not provided. Allele origin: germline. Inheritance: Autosomal recessive inheritance. Affected: yes.

Department of Pathology and Laboratory Medicine, Sinai Health System
Classification: Benign. Review status: no assertion criteria provided. Collection method: clinical testing. Allele origin: unknown. Affected: yes. Study: The Canadian Open Genetics Repository (COGR). Not counted in ClinVar's aggregate classification.
Comment: The SAMD9 p.R75W variant was not identified in the literature nor was it identified in ClinVar. The variant was identified in dbSNP (ID: rs111780648) and COSMIC (tissue: stomach). The variant was identified in control databases in 5540 of 282718 chromosomes (87 homozygous) at a frequency of 0.01960 (Genome Aggregation Database March 6, 2019, v2.1.1). The p.R75 residue is not highly conserved in mammals and computational analyses (MUT Assesor, PolyPhen-2, SIFT, MutationTaster, Revel, FATHMM, MetaLR, DANN) do not suggest a high likelihood of impact to the protein. The variant occurs outside of the splicing consensus sequence and in silico or computational prediction software programs (Splice AI exome) do not predict a deleterious effect on splicing. In summary, based on the above information this variant meets our laboratory's criteria to be classified as benign.